The following is an entry in ClinVar:

NM_000057.4(BLM):c.4145C>T (p.Ala1382Val)

Gene: BLM (BLM RecQ like helicase; plus strand). Cytogenetic location: 15q26.1.
Variant type: single nucleotide variant.
Coding change: c.4145C>T on transcript NM_000057.4 (MANE Select); coding-DNA position 4145, C replaced by T.
Protein change: p.Ala1382Val; replaces alanine 1382 with valine.
Molecular consequence: missense variant.
Genome position (GRCh38, 1-based): chr15:90,815,170, C>T. VCF-style: chr15-90815170-C-T. GRCh37 (hg19) VCF-style: chr15-91358400-C-T.
Other names: c.4145C>T, p.Ala1382Val (NM_001287246.2); c.3752C>T, p.Ala1251Val (NM_001287247.2); c.3020C>T, p.Ala1007Val (NM_001287248.2); short protein forms A1007V, A1251V, A1382V.
Identifiers: ClinVar variation 4827203 (VCV004827203.1).

ClinVar aggregate classification (germline): Uncertain significance (1 of 4 stars; one submission).

Conditions:
Hereditary cancer-predisposing syndrome. Also called: Neoplastic Syndromes, Hereditary; Tumor predisposition; Hereditary Cancer Syndrome; Hereditary neoplastic syndrome. Identifiers: Orphanet 140162, MedGen C0027672, MeSH D009386, MONDO:0015356.

Submission:

Ambry Genetics
Classification: Uncertain significance for Hereditary cancer-predisposing syndrome. Last evaluated: 2026-02-27. Review status: criteria provided, single submitter. Criteria: Ambry Variant Classification Scheme 2023. Collection method: clinical testing. Allele origin: germline.
Comment: The p.A1382V variant (also known as c.4145C>T), located in coding exon 21 of the BLM gene, results from a C to T substitution at nucleotide position 4145. The alanine at codon 1382 is replaced by valine, an amino acid with similar properties. This amino acid position is conserved. In addition, this alteration is predicted to be tolerated by in silico analysis. Based on the available evidence, the clinical significance of this variant remains unclear.